The following is an entry in ClinVar:

NM_001851.6(COL9A1):c.36T>A (p.Phe12Leu)

Gene: COL9A1 (collagen type IX alpha 1 chain; minus strand). Cytogenetic location: 6q13.
Variant type: single nucleotide variant.
Coding change: c.36T>A on transcript NM_001851.6 (MANE Select); coding-DNA position 36, T replaced by A.
Protein change: p.Phe12Leu; replaces phenylalanine 12 with leucine.
Molecular consequence: missense variant.
Genome position (GRCh38, 1-based): chr6:70,302,053, A>T on the plus strand (T>A on the coding strand, the complement: COL9A1 is on the minus strand). VCF-style: chr6-70302053-A-T. GRCh37 (hg19) VCF-style: chr6-71011756-A-T.
Other names: c.36T>A, p.Phe12Leu (NM_001377291.1); short protein forms F12L.
Identifiers: ClinVar variation 1914899 (VCV001914899.5), dbSNP rs778339621, ClinGen allele CA364676017.

ClinVar aggregate classification (germline): Uncertain significance (1 of 4 stars; one submission).

Submission:

Labcorp Genetics (formerly Invitae), Labcorp
Classification: Uncertain significance. Last evaluated: 2022-08-21. Review status: criteria provided, single submitter. Criteria: Invitae Variant Classification Sherloc (09022015). Collection method: clinical testing. Allele origin: germline.
Comment: This variant is not present in population databases (gnomAD no frequency). In summary, the available evidence is currently insufficient to determine the role of this variant in disease. Therefore, it has been classified as a Variant of Uncertain Significance. Advanced modeling of protein sequence and biophysical properties (such as structural, functional, and spatial information, amino acid conservation, physicochemical variation, residue mobility, and thermodynamic stability) performed at Invitae indicates that this missense variant is not expected to disrupt COL9A1 protein function. This variant has not been reported in the literature in individuals affected with COL9A1-related conditions. This sequence change replaces phenylalanine, which is neutral and non-polar, with leucine, which is neutral and non-polar, at codon 12 of the COL9A1 protein (p.Phe12Leu).